The following is an entry in ClinVar:

NM_013382.7(POMT2):c.1000C>T (p.Pro334Ser)

Gene: POMT2 (protein O-mannosyltransferase 2; minus strand). Cytogenetic location: 14q24.3.
Variant type: single nucleotide variant.
Coding change: c.1000C>T on transcript NM_013382.7 (MANE Select); coding-DNA position 1000, C replaced by T.
Protein change: p.Pro334Ser; replaces proline 334 with serine.
Molecular consequence: missense variant.
Genome position (GRCh38, 1-based): chr14:77,298,695, G>A on the plus strand (C>T on the coding strand, the complement: POMT2 is on the minus strand). VCF-style: chr14-77298695-G-A. GRCh37 (hg19) VCF-style: chr14-77765038-G-A.
Other names: short protein forms P334S.
Identifiers: ClinVar variation 849434 (VCV000849434.9), dbSNP rs1890916653, ClinGen allele CA390519672.
Genomic context (GRCh38, chr14:77,298,695, plus strand): 5'-ACTCCCAGGACACCCCTCTGCCTTCTACCTTTGTAATGGCCCAGAGACACTCACGTTCAG[G>A]GATGGAAGCATTGTGCAGGTTGTTCCCTGAAAGCCGGGCCTGGAAGGCAGAACTGAAGAA-3'
Protein context (NP_037514.2, residues 324-344): SGNNLHNASI[Pro334Ser]EHLAYGSVIT

ClinVar aggregate classification (germline): Uncertain significance. Review status: criteria provided, multiple submitters, no conflicts (2 of 4 stars). 2 submissions from 2 submitters: Uncertain significance (2). Last evaluated 2025-12-11.

Conditions:
Inborn genetic diseases. Identifiers: MedGen C0950123, MeSH D030342.
Muscular dystrophy-dystroglycanopathy (congenital with brain and eye anomalies), type A2. Also called: MUSCULAR DYSTROPHY-DYSTROGLYCANOPATHY (CONGENITAL WITH BRAIN AND EYE ANOMALIES), TYPE A, 2; WALKER-WARBURG SYNDROME OR MUSCLE-EYE-BRAIN DISEASE, POMT2-RELATED. Identifiers: Orphanet 588, Orphanet 899, MedGen C3150411, MONDO:0013154, OMIM 613150.
Muscular dystrophy-dystroglycanopathy (congenital with impaired intellectual development), type B, 2. Also called: MUSCULAR DYSTROPHY, CONGENITAL, POMT2-RELATED; Muscular dystrophy-dystroglycanopathy (congenital with intellectual disability), type B2. Identifiers: MedGen C3150416, MONDO:0013160, OMIM 613156.
Autosomal recessive limb-girdle muscular dystrophy type 2N. Also called: MUSCULAR DYSTROPHY-DYSTROGLYCANOPATHY, LIMB-GIRDLE, POMT2-RELATED; Muscular dystrophy-dystroglycanopathy (limb-girdle), type C, 2. Identifiers: Orphanet 206559, MedGen C3150418, MONDO:0013162, OMIM 613158.

Allele frequency attached by ClinVar (database versions not stated): gnomAD exomes 0.00001.

Submissions (2):

Ambry Genetics
Classification: Uncertain significance for Inborn genetic diseases. Last evaluated: 2025-12-11. Review status: criteria provided, single submitter. Criteria: Ambry Variant Classification Scheme 2023. Collection method: clinical testing. Allele origin: germline.

Labcorp Genetics (formerly Invitae), Labcorp
Classification: Uncertain significance for Muscular dystrophy-dystroglycanopathy (congenital with impaired intellectual development), type B, 2; Muscular dystrophy-dystroglycanopathy (congenital with brain and eye anomalies), type A2; Autosomal recessive limb-girdle muscular dystrophy type 2N. Last evaluated: 2022-07-19. Review status: criteria provided, single submitter. Criteria: Invitae Variant Classification Sherloc (09022015). Collection method: clinical testing. Allele origin: germline.
Comment: ClinVar contains an entry for this variant (Variation ID: 849434). In summary, the available evidence is currently insufficient to determine the role of this variant in disease. Therefore, it has been classified as a Variant of Uncertain Significance. Algorithms developed to predict the effect of missense changes on protein structure and function (SIFT, PolyPhen-2, Align-GVGD) all suggest that this variant is likely to be disruptive. This variant has not been reported in the literature in individuals affected with POMT2-related conditions. This variant is not present in population databases (gnomAD no frequency). This sequence change replaces proline, which is neutral and non-polar, with serine, which is neutral and polar, at codon 334 of the POMT2 protein (p.Pro334Ser).